The following is an entry in ClinVar:

ClinVar aggregate classification (germline): Uncertain significance. Review status: criteria provided, multiple submitters, no conflicts (2 of 4 stars). 2 submissions from 2 submitters: Uncertain significance (2). Last evaluated 2024-05-25.

Conditions:
Inborn genetic diseases. Identifiers: MedGen C0950123, MeSH D030342.

Allele frequency attached by ClinVar (database versions not stated): gnomAD 0.00001 and 0.00002; TOPMed 0.00001; 1000 Genomes Project 30x 0.00016; 1000 Genomes Project 0.00020.
gnomAD v4.1: 29 of 1,614,008 alleles (0.0018%); highest among the groups gnomAD compares: South Asian, 0.0088%; no homozygotes.

Submissions (2):

Labcorp Genetics (formerly Invitae), Labcorp
Classification: Uncertain significance. Last evaluated: 2024-05-25. Review status: criteria provided, single submitter. Criteria: Invitae Variant Classification Sherloc (09022015). Collection method: clinical testing. Allele origin: germline.
Comment: This sequence change replaces arginine, which is basic and polar, with histidine, which is basic and polar, at codon 3626 of the DNAH9 protein (p.Arg3626His). This variant is present in population databases (rs183636309, gnomAD 0.007%). This variant has not been reported in the literature in individuals affected with DNAH9-related conditions. ClinVar contains an entry for this variant (Variation ID: 1482698). Advanced modeling of protein sequence and biophysical properties (such as structural, functional, and spatial information, amino acid conservation, physicochemical variation, residue mobility, and thermodynamic stability) performed at Invitae indicates that this missense variant is expected to disrupt DNAH9 protein function with a positive predictive value of 80%. In summary, the available evidence is currently insufficient to determine the role of this variant in disease. Therefore, it has been classified as a Variant of Uncertain Significance.

Ambry Genetics
Classification: Uncertain significance for Inborn genetic diseases. Last evaluated: 2022-09-16. Review status: criteria provided, single submitter. Criteria: Ambry Variant Classification Scheme 2023. Collection method: clinical testing. Allele origin: germline.

NM_001372.4(DNAH9):c.10877G>A (p.Arg3626His)

Genes: DNAH9 (dynein axonemal heavy chain 9; plus strand), LOC101928350 (uncharacterized LOC101928350; minus strand). Cytogenetic location: 17p12.
Variant type: single nucleotide variant.
Coding change: c.10877G>A on transcript NM_001372.4 (MANE Select); coding-DNA position 10877, G replaced by A.
Protein change: p.Arg3626His; replaces arginine 3626 with histidine.
Molecular consequence: missense variant. On other transcripts: 5 prime UTR variant (1).
Genome position (GRCh38, 1-based): chr17:11,883,656, G>A. VCF-style: chr17-11883656-G-A. GRCh37 (hg19) VCF-style: chr17-11786973-G-A.
Other names: c.-188G>A (NM_004662.2); c.10877G>A (NM_001372.3); short protein forms R3626H.
Identifiers: ClinVar variation 1482698 (VCV001482698.7), dbSNP rs183636309, ClinGen allele CA8397663.